The following is an entry in ClinVar:

NM_000360.4(TH):c.1334+127T>C

Gene: TH (tyrosine hydroxylase; minus strand). Cytogenetic location: 11p15.5.
Variant type: single nucleotide variant.
Coding change: c.1334+127T>C on transcript NM_000360.4 (MANE Select); 127 bases into the intron after coding-DNA position 1334, T replaced by C.
Molecular consequence: intron variant.
Genome position (GRCh38, 1-based): chr11:2,165,105, A>G on the plus strand (T>C on the coding strand, the complement: TH is on the minus strand). VCF-style: chr11-2165105-A-G. GRCh37 (hg19) VCF-style: chr11-2186335-A-G.
Other names: c.1415+127T>C (NM_199293.3); c.1427+127T>C (NM_199292.3).
Identifiers: ClinVar variation 1164243 (VCV001164243.14), dbSNP rs2070762, ClinGen allele CA13406200.

ClinVar aggregate classification (germline): Benign. Review status: criteria provided, multiple submitters, no conflicts (2 of 4 stars). 4 submissions from 4 submitters: Benign (4). Last evaluated 2026-01-19.

Conditions:
TH-deficient dopa-responsive dystonia. Also called: DYT-TH; Tyrosine Hydroxylase-Deficient Dopa-Responsive Dystonia; Segawa syndrome, autosomal recessive. Identifiers: Orphanet 101150, MedGen C2673535, MONDO:0011551, OMIM 605407.

Allele frequency attached by ClinVar (database versions not stated): 1000 Genomes Project 0.42352; gnomAD 0.42406 and 0.42979; TOPMed 0.42719; 1000 Genomes Project 30x 0.42911.
gnomAD v4.1: 695,916 of 1,423,550 alleles (49%); highest among the groups gnomAD compares: Admixed American, 63%; 174,285 homozygotes.

Submissions (4):

Labcorp Genetics (formerly Invitae), Labcorp
Classification: Benign for TH-deficient dopa-responsive dystonia. Last evaluated: 2026-01-19. Review status: criteria provided, single submitter. Criteria: Invitae Variant Classification Sherloc (09022015). Collection method: clinical testing. Allele origin: germline.

Genome-Nilou Lab
Classification: Benign for TH-deficient dopa-responsive dystonia. Last evaluated: 2021-07-14. Review status: criteria provided, single submitter. Criteria: ACMG Guidelines, 2015. Collection method: clinical testing. Allele origin: germline. Affected: no.

GeneDx
Classification: Benign. Last evaluated: 2015-03-03. Review status: criteria provided, single submitter. Criteria: GeneDx Variant Classification Process June 2021. Collection method: clinical testing. Allele origin: germline. Affected: yes.
Comment: This variant is associated with the following publications: (PMID: 18208403)

Breakthrough Genomics
Classification: Benign. Review status: criteria provided, single submitter. Criteria: ACMG Guidelines, 2015. Collection method: not provided. Allele origin: germline. Inheritance: Autosomal recessive inheritance. Affected: yes.